The following is an entry in ClinVar:

ClinVar aggregate classification (germline): Benign. Review status: criteria provided, multiple submitters, no conflicts (2 of 4 stars). 4 submissions from 4 submitters: Benign (3). 1 of the submissions does not count toward it. Last evaluated 2018-06-16.

Allele frequency attached by ClinVar (database versions not stated): gnomAD exomes 0.02003; ExAC 0.02181; ESP Exome Variant Server 0.03745; gnomAD 0.03779 and 0.03950; 1000 Genomes Project 30x 0.03795; TOPMed 0.03851; 1000 Genomes Project 0.04073.
gnomAD v4.1: 36,464 of 1,593,292 alleles (2.3%); highest among the groups gnomAD compares: African/African-American, 8.5%; 668 homozygotes.

Submissions (4):

GeneDx
Classification: Benign. Last evaluated: 2018-06-16. Review status: criteria provided, single submitter. Criteria: GeneDx Variant Classification (06012015). Collection method: clinical testing. Allele origin: germline. Affected: yes.
Comment: This variant is considered likely benign or benign based on one or more of the following criteria: it is a conservative change, it occurs at a poorly conserved position in the protein, it is predicted to be benign by multiple in silico algorithms, and/or has population frequency not consistent with disease.

Breakthrough Genomics
Classification: Benign. Review status: criteria provided, single submitter. Criteria: ACMG Guidelines, 2015. Collection method: not provided. Allele origin: germline. Inheritance: Autosomal recessive inheritance. Affected: yes.

PreventionGenetics, part of Exact Sciences
Classification: Benign. Review status: criteria provided, single submitter. Criteria: ACMG Guidelines, 2015. Collection method: clinical testing. Allele origin: germline.

Genetic Services Laboratory, University of Chicago
Classification: Likely benign for AllHighlyPenetrant. Review status: no assertion criteria provided. Collection method: clinical testing. Allele origin: germline. Inheritance: Autosomal recessive inheritance. Observed: 10 variant alleles. Not counted in ClinVar's aggregate classification.
Comment: Likely benign based on allele frequency in 1000 Genomes Project or ESP global frequency and its presence in a patient with a rare or unrelated disease phenotype. NOT Sanger confirmed.

NM_025114.4(CEP290):c.5709+25A>C

Gene: CEP290 (centrosomal protein 290; minus strand). Cytogenetic location: 12q21.32.
Variant type: single nucleotide variant.
Coding change: c.5709+25A>C on transcript NM_025114.4 (MANE Select); 25 bases into the intron after coding-DNA position 5709, A replaced by C.
Molecular consequence: intron variant.
Genome position (GRCh38, 1-based): chr12:88,077,197, T>G on the plus strand (A>C on the coding strand, the complement: CEP290 is on the minus strand). VCF-style: chr12-88077197-T-G. GRCh37 (hg19) VCF-style: chr12-88470974-T-G.
Identifiers: ClinVar variation 126264 (VCV000126264.8), dbSNP rs17015438, ClinGen allele CA150920.
Genomic context (GRCh38, chr12:88,077,197, plus strand): 5'-CAGTATATTAACTGTTAATCAGCTATGTATTTAACTTACTCTGTCACTACCTTAAGCATA[T>G]AAGTCAGTATGTTTCTTCACATACCTTTTCTTTCATAGGTTTTAGGTCTACTTCCTCCAC-3'